The following is an entry in ClinVar:

ClinVar aggregate classification (germline): Uncertain significance (1 of 4 stars; one submission).

Allele frequency attached by ClinVar (database versions not stated): gnomAD exomes below 0.00001.
gnomAD v4.1: 1 of 1,592,226 alleles (0.000063%); highest among the groups gnomAD compares: Non-Finnish European, 0.000085%; no homozygotes.

Submission:

Centre of Medical Genetics, University Hospital Muenster
Classification: Uncertain significance. Last evaluated: 2023-04-18. Review status: criteria provided, single submitter. Criteria: ACMG Guidelines, 2015. Collection method: clinical testing. Allele origin: unknown. Affected: yes. Observed: 1 variant allele, 1 heterozygote.
Comment: ACMG categories: PM2

NM_016642.4(SPTBN5):c.6508C>T (p.Gln2170Ter)

Gene: SPTBN5 (spectrin beta, non-erythrocytic 5; minus strand). Cytogenetic location: 15q15.1.
Variant type: single nucleotide variant.
Coding change: c.6508C>T on transcript NM_016642.4 (MANE Select); coding-DNA position 6508, C replaced by T.
Protein change: p.Gln2170Ter; replaces glutamine 2170 with a stop codon.
Molecular consequence: nonsense.
Genome position (GRCh38, 1-based): chr15:41,866,466, G>A on the plus strand (C>T on the coding strand, the complement: SPTBN5 is on the minus strand). VCF-style: chr15-41866466-G-A. GRCh37 (hg19) VCF-style: chr15-42158664-G-A.
Other names: short protein forms Q2170*.
Identifiers: ClinVar variation 2504142 (VCV002504142.2), dbSNP rs2547943092, ClinGen allele CA391944351.